The following is an entry in ClinVar:

ClinVar aggregate classification (germline): Uncertain significance. Review status: criteria provided, multiple submitters, no conflicts (2 of 4 stars). 2 submissions from 2 submitters: Uncertain significance (2). Last evaluated 2026-05-26.

Conditions:
Hereditary cancer-predisposing syndrome. Also called: Hereditary Cancer Syndrome; Hereditary neoplastic syndrome; Neoplastic Syndromes, Hereditary; Tumor predisposition. Identifiers: Orphanet 140162, MedGen C0027672, MeSH D009386, MONDO:0015356.
Ataxia-telangiectasia syndrome (AT). Also called: Ataxia-telangiectasia, complementation group D; AT, COMPLEMENTATION GROUP C; LOUIS-BAR SYNDROME; Cerebello-oculocutaneous telangiectasia; Immunodeficiency with ataxia telangiectasia; ATAXIA-TELANGIECTASIA, COMPLEMENTATION GROUP A. Identifiers: Orphanet 100, MedGen C0004135, MONDO:0008840, OMIM 208900.

Submissions (2):

Ambry Genetics
Classification: Uncertain significance for Hereditary cancer-predisposing syndrome. Last evaluated: 2026-05-26. Review status: criteria provided, single submitter. Criteria: Ambry Variant Classification Scheme 2023. Collection method: clinical testing. Allele origin: germline.
Comment: The p.C1900Y variant (also known as c.5699G>A), located in coding exon 37 of the ATM gene, results from a G to A substitution at nucleotide position 5699. The cysteine at codon 1900 is replaced by tyrosine, an amino acid with highly dissimilar properties. In an assay testing ATM function, this variant showed a functionally abnormal result (Lee KS et al. Cell, 2025 Sep;188:5081-5099.e27). This amino acid position is not well conserved in available vertebrate species. In addition, this alteration is predicted to be tolerated by in silico analysis. Based on the available evidence, the clinical significance of this variant remains unclear.

Labcorp Genetics (formerly Invitae), Labcorp
Classification: Uncertain significance for Ataxia-telangiectasia syndrome. Last evaluated: 2026-01-09. Review status: criteria provided, single submitter. Criteria: Invitae Variant Classification Sherloc (09022015). Collection method: clinical testing. Allele origin: germline.
Comment: This sequence change replaces cysteine, which is neutral and slightly polar, with tyrosine, which is neutral and polar, at codon 1900 of the ATM protein (p.Cys1900Tyr). This variant is not present in population databases (gnomAD no frequency). This variant has not been reported in the literature in individuals affected with ATM-related conditions. ClinVar contains an entry for this variant (Variation ID: 3690247). Invitae Evidence Modeling of protein sequence and biophysical properties (such as structural, functional, and spatial information, amino acid conservation, physicochemical variation, residue mobility, and thermodynamic stability) indicates that this missense variant is not expected to disrupt ATM protein function with a negative predictive value of 95%. In summary, the available evidence is currently insufficient to determine the role of this variant in disease. Therefore, it has been classified as a Variant of Uncertain Significance.

Literature cited by the submitters: PubMed 40580951 (cited by Ambry Genetics).

NM_000051.4(ATM):c.5699G>A (p.Cys1900Tyr)

Gene: ATM (ATM serine/threonine kinase; plus strand). Cytogenetic location: 11q22.3.
Variant type: single nucleotide variant.
Coding change: c.5699G>A on transcript NM_000051.4 (MANE Select); coding-DNA position 5699, G replaced by A.
Protein change: p.Cys1900Tyr; replaces cysteine 1900 with tyrosine.
Molecular consequence: missense variant.
Genome position (GRCh38, 1-based): chr11:108,307,921, G>A. VCF-style: chr11-108307921-G-A. GRCh37 (hg19) VCF-style: chr11-108178648-G-A.
Other names: c.5699G>A, p.Cys1900Tyr (NM_001351834.2); short protein forms C1900Y.
Identifiers: ClinVar variation 3690247 (VCV003690247.3).